The following is an entry in ClinVar:

NM_019616.4(F7):c.1318C>T (p.Arg440Ter)

Gene: F7 (coagulation factor VII; plus strand). Cytogenetic location: 13q34.
Variant type: single nucleotide variant.
Coding change: c.1318C>T on transcript NM_019616.4 (MANE Select); coding-DNA position 1318, C replaced by T.
Protein change: p.Arg440Ter; replaces arginine 440 with a stop codon.
Molecular consequence: nonsense. On other transcripts: non-coding transcript variant (1).
Genome position (GRCh38, 1-based): chr13:113,118,991, C>T. VCF-style: chr13-113118991-C-T. GRCh37 (hg19) VCF-style: chr13-113773305-C-T.
Other names: c.1384C>T, p.Arg462Ter (NM_000131.5); c.1132C>T, p.Arg378Ter (NM_001267554.2); short protein forms R378*, R440*, R462*.
Identifiers: ClinVar variation 3629690 (VCV003629690.9).
Genomic context (GRCh38, chr13:113,118,991, plus strand): 5'-CAGTACATCGAGTGGCTGCAAAAGCTCATGCGCTCAGAGCCACGCCCAGGAGTCCTCCTG[C>T]GAGCCCCATTTCCCTAGCCCAGCAGCCCTGGCCTGTGGAGAGAAAGCCAAGGCTGCGTCG-3'

ClinVar aggregate classification (germline): Pathogenic/Likely pathogenic. Review status: criteria provided, multiple submitters, no conflicts (2 of 4 stars). 3 submissions from 3 submitters: Pathogenic (2); Likely pathogenic (1). Last evaluated 2025-11-01.

Conditions:
F7-related disorder. Also called: F7-related condition.
Congenital factor VII deficiency. Identifiers: Orphanet 327, MedGen C0272320, MONDO:0009211, OMIM 227500.

Submissions (3):

CeGaT Center for Human Genetics Tuebingen
Classification: Likely pathogenic. Last evaluated: 2025-11-01. Review status: criteria provided, single submitter. Criteria: CeGaT Center For Human Genetics Tuebingen Variant Classification Criteria Version 2. Collection method: clinical testing. Allele origin: germline. Affected: yes. Observed: 1 variant allele.
Comment: F7: PVS1:Strong, PM2, PM3

PreventionGenetics, part of Exact Sciences
Classification: Pathogenic for F7-related condition. Last evaluated: 2025-08-18. Review status: criteria provided, single submitter. Criteria: ACMG Guidelines, 2015. Collection method: clinical testing. Allele origin: germline.
Comment: The F7 c.1384C>T variant is predicted to result in premature protein termination (p.Arg462*). This variant is alternatively referred to as p.Arg402* using legacy nomenclature, has been reported in individual with factor VII deficiency (See for example, Giansily-Blaizot et al. 2007. PubMed ID: 17614823; Branchini et al. 2011. PubMed ID: 22180436; Ravanbod et al. 2022. PubMed ID: 36760778). This variant is reported in 0.0032% of alleles in individuals of European (Non-Finnish) descent in gnomAD. Nonsense variants in F7 are expected to be pathogenic. This variant is interpreted as pathogenic.

Women's Health and Genetics/Laboratory Corporation of America, LabCorp
Classification: Pathogenic for Congenital factor VII deficiency. Last evaluated: 2024-11-12. Review status: criteria provided, single submitter. Criteria: LabCorp Variant Classification Summary - May 2015. Collection method: clinical testing. Allele origin: germline.
Comment: Variant summary: F7 c.1384C>T (p.Arg462*) results in a premature termination codon and although it is not predicted to undergo nonsense mediated decay, it is expected to cause a truncation of the encoded protein, which is a commonly known mechanism for disease. The frequency data for this variant in gnomAD is considered unreliable, as metrics indicate poor data quality at this position. c.1384C>T has been reported in the literature in individuals affected with congenital factor VII deficiency, including two homozygotes without bleeding symptoms, but who were clinically diagnosed and had decreased FVII activity and antigen levels (e.g, Giansily-Blaizot_2007, Branchini_2012, Zhang_2021). These data indicate that the variant is likely to be associated with disease. At least one publication reports experimental evidence evaluating an impact on protein function and found that the variant resulted in increased specific activity, but severely impaired secretion (Branchini_2012). The following publications have been ascertained in the context of this evaluation (PMID: 17614823, 34342048, 22180436). No submitters have cited clinical-significance assessments for this variant to ClinVar. Based on the evidence outlined above, the variant was classified as pathogenic.

Literature cited by the submitters: PubMed 34342048 (cited by Women's Health and Genetics/Laboratory Corporation of America, LabCorp); PubMed 22180436 (cited by Women's Health and Genetics/Laboratory Corporation of America, LabCorp); PubMed 17614823 (cited by Women's Health and Genetics/Laboratory Corporation of America, LabCorp).